The following is an entry in ClinVar:

ClinVar aggregate classification (germline): Uncertain significance. Review status: criteria provided, multiple submitters, no conflicts (2 of 4 stars). 2 submissions from 2 submitters: Uncertain significance (2). Last evaluated 2026-06-21.

Conditions:
Hereditary cancer-predisposing syndrome. Also called: Neoplastic Syndromes, Hereditary; Hereditary Cancer Syndrome; Hereditary neoplastic syndrome; Tumor predisposition. Identifiers: Orphanet 140162, MedGen C0027672, MeSH D009386, MONDO:0015356.

Allele frequency attached by ClinVar (database versions not stated): ExAC 0.00001.
gnomAD v4.1: 1 of 1,614,166 alleles (0.000062%); highest among the groups gnomAD compares: South Asian, 0.0011%; no homozygotes.

Submissions (2):

Ambry Genetics
Classification: Uncertain significance for Hereditary cancer-predisposing syndrome. Last evaluated: 2026-06-21. Review status: criteria provided, single submitter. Criteria: Ambry Variant Classification Scheme 2023. Collection method: clinical testing. Allele origin: germline.
Comment: The p.P1223R variant (also known as c.3668C>G), located in coding exon 30 of the POLE gene, results from a C to G substitution at nucleotide position 3668. The proline at codon 1223 is replaced by arginine, an amino acid with dissimilar properties. This amino acid position is conserved. In addition, this alteration is predicted to be tolerated by in silico analysis. Based on the available evidence, the clinical significance of this variant remains unclear.

Labcorp Genetics (formerly Invitae), Labcorp
Classification: Uncertain significance. Last evaluated: 2023-09-08. Review status: criteria provided, single submitter. Criteria: Invitae Variant Classification Sherloc (09022015). Collection method: clinical testing. Allele origin: germline.
Comment: In summary, the available evidence is currently insufficient to determine the role of this variant in disease. Therefore, it has been classified as a Variant of Uncertain Significance. Advanced modeling of protein sequence and biophysical properties (such as structural, functional, and spatial information, amino acid conservation, physicochemical variation, residue mobility, and thermodynamic stability) performed at Invitae indicates that this missense variant is not expected to disrupt POLE protein function. ClinVar contains an entry for this variant (Variation ID: 658823). This variant has not been reported in the literature in individuals affected with POLE-related conditions. This variant is present in population databases (rs766806062, gnomAD 0.003%). This sequence change replaces proline, which is neutral and non-polar, with arginine, which is basic and polar, at codon 1223 of the POLE protein (p.Pro1223Arg).

NM_006231.4(POLE):c.3668C>G (p.Pro1223Arg)

Gene: POLE (DNA polymerase epsilon, catalytic subunit; minus strand). Cytogenetic location: 12q24.33.
Variant type: single nucleotide variant.
Coding change: c.3668C>G on transcript NM_006231.4 (MANE Select); coding-DNA position 3668, C replaced by G.
Protein change: p.Pro1223Arg; replaces proline 1223 with arginine.
Molecular consequence: missense variant.
Genome position (GRCh38, 1-based): chr12:132,649,804, G>C on the plus strand (C>G on the coding strand, the complement: POLE is on the minus strand). VCF-style: chr12-132649804-G-C. GRCh37 (hg19) VCF-style: chr12-133226390-G-C.
Other names: c.3668C>G (NM_006231.2); short protein forms P1223R.
Identifiers: ClinVar variation 658823 (VCV000658823.8), dbSNP rs766806062, ClinGen allele CA6893148.
Genomic context (GRCh38, chr12:132,649,804, plus strand): 5'-TGGGACTCCTCCTGGCTCTCCCAAAGAACTCGCTTCCTCTTCACAGTGACAGGGGCTGCT[G>C]GGTGAGGCAGCTTTACGAGGCCGAAGTCCTCCATGTCAGGAGCACTTGGCCTCGGACTGT-3'
Protein context (NP_006222.2, residues 1213-1233): EDFGLVKLPH[Pro1223Arg]AAPVTVKRKR